The following is an entry in ClinVar:

ClinVar aggregate classification (germline): Uncertain significance. Review status: criteria provided, multiple submitters, no conflicts (2 of 4 stars). 4 submissions from 4 submitters: Uncertain significance (4). Last evaluated 2026-01-20.

Conditions:
Peroxisome biogenesis disorder 12A (Zellweger). Also called: Peroxisome biogenesis disorder 12A. Identifiers: Orphanet 912, MedGen C3554002, MONDO:0013951, OMIM 614886.
PEX19-related disorder. Also called: PEX19-related condition.
Inborn genetic diseases. Identifiers: MedGen C0950123, MeSH D030342.

Allele frequency attached by ClinVar (database versions not stated): gnomAD 0.00001; ExAC 0.00002; gnomAD exomes 0.00002; TOPMed 0.00003.
gnomAD v4.1: 32 of 1,613,680 alleles (0.002%); highest among the groups gnomAD compares: Non-Finnish European, 0.0025%; no homozygotes.

Submissions (4):

PreventionGenetics, part of Exact Sciences
Classification: Uncertain significance for PEX19-related condition. Last evaluated: 2026-01-20. Review status: criteria provided, single submitter. Criteria: ACMG Guidelines, 2015. Collection method: clinical testing. Allele origin: germline.
Comment: The PEX19 c.200A>C variant is predicted to result in the amino acid substitution p.Gln67Pro. To our knowledge, this variant has not been reported in the literature. This variant is reported in 0.0029% of alleles in individuals of Latino descent in gnomAD. At this time, the clinical significance of this variant is uncertain due to the absence of conclusive functional and genetic evidence.

Ambry Genetics
Classification: Uncertain significance for Inborn genetic diseases. Last evaluated: 2025-05-18. Review status: criteria provided, single submitter. Criteria: Ambry Variant Classification Scheme 2023. Collection method: clinical testing. Allele origin: germline.

Labcorp Genetics (formerly Invitae), Labcorp
Classification: Uncertain significance for Peroxisome biogenesis disorder 12A (Zellweger). Last evaluated: 2024-10-30. Review status: criteria provided, single submitter. Criteria: Invitae Variant Classification Sherloc (09022015). Collection method: clinical testing. Allele origin: germline.
Comment: This sequence change replaces glutamine, which is neutral and polar, with proline, which is neutral and non-polar, at codon 67 of the PEX19 protein (p.Gln67Pro). This variant is present in population databases (rs755726384, gnomAD 0.003%). This variant has not been reported in the literature in individuals affected with PEX19-related conditions. ClinVar contains an entry for this variant (Variation ID: 1517980). Invitae Evidence Modeling of protein sequence and biophysical properties (such as structural, functional, and spatial information, amino acid conservation, physicochemical variation, residue mobility, and thermodynamic stability) indicates that this missense variant is not expected to disrupt PEX19 protein function with a negative predictive value of 80%. In summary, the available evidence is currently insufficient to determine the role of this variant in disease. Therefore, it has been classified as a Variant of Uncertain Significance.

Blueprint Genetics
Classification: Uncertain significance. Last evaluated: 2024-06-07. Review status: criteria provided, single submitter. Criteria: ACMG Guidelines, 2015. Collection method: clinical testing. Allele origin: germline.

NM_002857.4(PEX19):c.200A>C (p.Gln67Pro)

Gene: PEX19 (peroxisomal biogenesis factor 19; minus strand). Cytogenetic location: 1q23.2.
Variant type: single nucleotide variant.
Coding change: c.200A>C on transcript NM_002857.4 (MANE Select); coding-DNA position 200, A replaced by C.
Protein change: p.Gln67Pro; replaces glutamine 67 with proline.
Molecular consequence: missense variant. On other transcripts: non-coding transcript variant (2).
Genome position (GRCh38, 1-based): chr1:160,283,090, T>G on the plus strand (A>C on the coding strand, the complement: PEX19 is on the minus strand). VCF-style: chr1-160283090-T-G. GRCh37 (hg19) VCF-style: chr1-160252880-T-G.
Other names: c.200A>C, p.Gln67Pro (NM_001193644.1); c.200A>C (NM_002857.3); short protein forms Q67P.
Identifiers: ClinVar variation 1517980 (VCV001517980.8), dbSNP rs755726384, ClinGen allele CA1197435.